The following is an entry in ClinVar:

NM_000384.3(APOB):c.10778C>T (p.Pro3593Leu)

Gene: APOB (apolipoprotein B; minus strand). Cytogenetic location: 2p24.1.
Variant type: single nucleotide variant.
Coding change: c.10778C>T on transcript NM_000384.3 (MANE Select); coding-DNA position 10778, C replaced by T.
Protein change: p.Pro3593Leu; replaces proline 3593 with leucine.
Molecular consequence: missense variant.
Genome position (GRCh38, 1-based): chr2:21,006,090, G>A on the plus strand (C>T on the coding strand, the complement: APOB is on the minus strand). VCF-style: chr2-21006090-G-A. GRCh37 (hg19) VCF-style: chr2-21228962-G-A.
Other names: short protein forms P3593L.
Identifiers: ClinVar variation 453083 (VCV000453083.16), dbSNP rs1553382921, ClinGen allele CA345985000.

ClinVar aggregate classification (germline): Uncertain significance. Review status: criteria provided, multiple submitters, no conflicts (2 of 4 stars). 3 submissions from 3 submitters: Uncertain significance (3). Last evaluated 2021-08-16.

Conditions:
Cardiovascular phenotype. Identifiers: MedGen CN230736.
Hypercholesterolemia, autosomal dominant, type B (FHCL2). Also called: HYPERCHOLESTEROLEMIA, FAMILIAL, DUE TO LIGAND-DEFECTIVE APOLIPOPROTEIN B; Familial Hypercholesterolemia Type B; APOLIPOPROTEIN B-100, FAMILIAL DEFECTIVE; APOLIPOPROTEIN B-100, FAMILIAL LIGAND-DEFECTIVE; Familial hypercholesterolemia 2; APOB-Related Familial Hypercholesterolemia, Autosomal Dominant. Identifiers: MedGen C1704417, MONDO:0007751, OMIM 144010.
Familial hypobetalipoproteinemia 1. Also called: APOB-Related Familial Hypobetalipoproteinemia; Hypobetalipoproteinemia, normotriglyceridemic; Acanthocytosis with hypobetalipoproteinemia. Identifiers: MedGen C4551990, MONDO:0014252, OMIM 615558.

Submissions (3):

Ambry Genetics
Classification: Uncertain significance for Cardiovascular phenotype. Last evaluated: 2021-08-16. Review status: criteria provided, single submitter. Criteria: Ambry Variant Classification Scheme 2023. Collection method: clinical testing. Allele origin: germline.
Comment: The p.P3593L variant (also known as c.10778C>T), located in coding exon 26 of the APOB gene, results from a C to T substitution at nucleotide position 10778. The proline at codon 3593 is replaced by leucine, an amino acid with similar properties. This amino acid position is conserved. In addition, this alteration is predicted to be tolerated by in silico analysis. Since supporting evidence is limited at this time, the clinical significance of this alteration remains unclear.

Labcorp Genetics (formerly Invitae), Labcorp
Classification: Uncertain significance for Familial hypobetalipoproteinemia 1; Hypercholesterolemia, autosomal dominant, type B. Last evaluated: 2019-05-03. Review status: criteria provided, single submitter. Criteria: Invitae Variant Classification Sherloc (09022015). Collection method: clinical testing. Allele origin: germline.
Comment: Algorithms developed to predict the effect of missense changes on protein structure and function output the following: SIFT: "Tolerated"; PolyPhen-2: "Possibly Damaging"; Align-GVGD: "Class C0". The leucine amino acid residue is found in multiple mammalian species, suggesting that this missense change does not adversely affect protein function. These predictions have not been confirmed by published functional studies and their clinical significance is uncertain. In summary, the available evidence is currently insufficient to determine the role of this variant in disease. Therefore, it has been classified as a Variant of Uncertain Significance. This variant has not been reported in the literature in individuals with APOB-related conditions. ClinVar contains an entry for this variant (Variation ID: 453083). This sequence change replaces proline with leucine at codon 3593 of the APOB protein (p.Pro3593Leu). The proline residue is moderately conserved and there is a moderate physicochemical difference between proline and leucine. This variant is not present in population databases (ExAC no frequency).

GeneDx
Classification: Uncertain significance. Last evaluated: 2017-11-02. Review status: criteria provided, single submitter. Criteria: GeneDx Variant Classification (06012015). Collection method: clinical testing. Allele origin: germline. Affected: yes.
Comment: A variant of uncertain significance has been identified in the APOB gene. The P3593L variant has not been published as pathogenic or been reported as benign to our knowledge. This variant is not observed in large population cohorts (Lek et al., 2016). The P3593L variant is a semi-conservative amino acid substitution, which may impact secondary protein structure as these residues differ in some properties. Although this substitution occurs at a position that is not conserved where leucine (L) is tolerated in several species, in silico analysis predicts this variant is probably damaging to the protein structure/function.